The following is an entry in ClinVar:

NM_002834.5(PTPN11):c.53A>G (p.Asn18Ser)

Gene: PTPN11 (protein tyrosine phosphatase non-receptor type 11; plus strand). Cytogenetic location: 12q24.13.
Variant type: single nucleotide variant.
Coding change: c.53A>G on transcript NM_002834.5 (MANE Select); coding-DNA position 53, A replaced by G.
Protein change: p.Asn18Ser; replaces asparagine 18 with serine.
Molecular consequence: missense variant.
Genome position (GRCh38, 1-based): chr12:112,446,314, A>G. VCF-style: chr12-112446314-A-G. GRCh37 (hg19) VCF-style: chr12-112884118-A-G.
Other names: p.N18S:AAC>AGC; NM_002834.4(PTPN11):c.53A>G; c.53A>G, p.Asn18Ser (NM_001330437.2, NM_001374625.1, NM_080601.3); c.53A>G (NM_002834.4); short protein forms N18S.
Identifiers: ClinVar variation 135112 (VCV000135112.25), dbSNP rs587778635, ClinGen allele CA161776.
Genomic context (GRCh38, chr12:112,446,314, plus strand): 5'-TTACTTTGTCTTTCTTTTTAAGATGGTTTCACCCAAATATCACTGGTGTGGAGGCAGAAA[A>G]CCTACTGTTGACAAGAGGAGTTGATGGCAGTTTTTTGGCAAGGCCTAGTAAAAGTAACCC-3'
Protein context (NP_002825.3, residues 8-28): HPNITGVEAE[Asn18Ser]LLLTRGVDGS

ClinVar aggregate classification (germline): Benign. Review status: reviewed by expert panel (3 of 4 stars). 11 submissions from 9 submitters: Benign (1). 10 of the submissions do not count toward it. Last evaluated 2017-04-18.

Conditions:
Noonan syndrome and Noonan-related syndrome. Identifiers: Orphanet 98733, MedGen C5681679, MONDO:0020297.
PTPN11-related disorder. Also called: PTPN11-Related Disorders.
Cardiovascular phenotype. Identifiers: MedGen CN230736.
LEOPARD syndrome 1 (LPRD1). Also called: LENTIGINOSIS, CARDIOMYOPATHIC; MULTIPLE LENTIGINES SYNDROME; PTPN11-Related LEOPARD Syndrome. Identifiers: Orphanet 500, MedGen C4551484, MONDO:0100082, OMIM 151100.
RASopathy. Also called: Noonan spectrum disorder; rasopathies. Identifiers: Orphanet 536391, MedGen C5555857, MONDO:0021060.
Metachondromatosis (METCDS). Identifiers: Orphanet 2499, MedGen C0410530, MONDO:0007979, OMIM 156250.
Noonan syndrome 1 (NS1). Also called: TURNER PHENOTYPE WITH NORMAL KARYOTYPE; FEMALE PSEUDO-TURNER SYNDROME; PTPN11-Related Noonan Syndrome. Identifiers: Orphanet 648, MedGen C4551602, MONDO:0008104, OMIM 163950. Disease mechanism: gain of function.

Allele frequency attached by ClinVar (database versions not stated): ExAC 0.00012; 1000 Genomes Project 30x 0.00016; gnomAD below 0.00001 and 0.00002; TOPMed 0.00001; gnomAD exomes 0.00006 and 0.00010.
gnomAD v4.1: 90 of 1,614,070 alleles (0.0056%); highest among the groups gnomAD compares: South Asian, 0.096%; 1 homozygote.

Submissions (11):

ClinGen RASopathy Variant Curation Expert Panel
Classification: Benign for Noonan syndrome and Noonan-related syndrome. Last evaluated: 2017-04-18. Review status: reviewed by expert panel. Criteria: ClinGen RASopathy ACMG Specifications v1. Collection method: curation. Allele origin: germline. Inheritance: Autosomal dominant inheritance.
Comment: The filtering allele frequency of the c.53A>G (p.Asn18Ser) variant in the PTPN11 gene is 0.056% (15/16512) of South Asian chromosomes by the Exome Aggregation Consortium, which is a high enough frequency to be classified as benign based on thresholds defined by the ClinGen RASopathy Expert Panel (BA1; PMID:29493581)

Labcorp Genetics (formerly Invitae), Labcorp
Classification: Likely benign for RASopathy. Last evaluated: 2025-11-06. Review status: criteria provided, single submitter. Criteria: Invitae Variant Classification Sherloc (09022015). Collection method: clinical testing. Allele origin: germline. Not counted in ClinVar's aggregate classification.

Blueprint Genetics
Classification: Likely benign. Last evaluated: 2023-09-25. Review status: criteria provided, single submitter. Criteria: ACMG Guidelines, 2015. Collection method: clinical testing. Allele origin: germline. Not counted in ClinVar's aggregate classification.

Ambry Genetics
Classification: Benign for Cardiovascular phenotype. Last evaluated: 2020-03-04. Review status: criteria provided, single submitter. Criteria: Ambry Variant Classification Scheme 2023. Collection method: clinical testing. Allele origin: germline. Not counted in ClinVar's aggregate classification.

Genome Diagnostics Laboratory, The Hospital for Sick Children
Classification: Benign for Noonan syndrome and Noonan-related syndrome. Last evaluated: 2019-10-01. Review status: criteria provided, single submitter. Criteria: ACMG Guidelines, 2015. Collection method: clinical testing. Allele origin: germline. Not counted in ClinVar's aggregate classification.

GeneDx
Classification: Benign. Last evaluated: 2019-03-19. Review status: criteria provided, single submitter. Criteria: GeneDx Variant Classification (06012015). Collection method: clinical testing. Allele origin: germline. Affected: yes. Not counted in ClinVar's aggregate classification.
Comment: This variant is considered likely benign or benign based on one or more of the following criteria: it is a conservative change, it occurs at a poorly conserved position in the protein, it is predicted to be benign by multiple in silico algorithms, and/or has population frequency not consistent with disease.

Illumina Laboratory Services, Illumina
Classification: Uncertain significance for Noonan syndrome 1. Last evaluated: 2018-01-12. Review status: criteria provided, single submitter. Criteria: ICSL Variant Classification Criteria 13 December 2019. Collection method: clinical testing. Allele origin: germline. Not counted in ClinVar's aggregate classification.

Illumina Laboratory Services, Illumina
Classification: Benign for Metachondromatosis. Last evaluated: 2018-01-12. Review status: criteria provided, single submitter. Criteria: ICSL Variant Classification Criteria 13 December 2019. Collection method: clinical testing. Allele origin: germline. Not counted in ClinVar's aggregate classification.
Comment: This variant was observed in the ICSL laboratory as part of a predisposition screen in an ostensibly healthy population. It had not been previously curated by ICSL or reported in the Human Gene Mutation Database (HGMD: prior to June 1st, 2018), and was therefore a candidate for classification through an automated scoring system. Utilizing variant allele frequency, disease prevalence and penetrance estimates, and inheritance mode, an automated score was calculated to assess if this variant is too frequent to cause the disease. Based on the score and internal cut-off values, a variant classified as benign is not then subjected to further curation. The score for this variant resulted in a classification of benign for this disease.

Illumina Laboratory Services, Illumina
Classification: Benign for LEOPARD syndrome 1. Last evaluated: 2018-01-12. Review status: criteria provided, single submitter. Criteria: ICSL Variant Classification Criteria 13 December 2019. Collection method: clinical testing. Allele origin: germline. Not counted in ClinVar's aggregate classification.
Comment: the same text as in the submission from Illumina Laboratory Services, Illumina above.

PreventionGenetics, part of Exact Sciences
Classification: Likely benign for PTPN11-related condition. Last evaluated: 2021-11-04. Review status: no assertion criteria provided. Collection method: clinical testing. Allele origin: germline. Not counted in ClinVar's aggregate classification.
Comment: This variant is classified as likely benign based on ACMG/AMP sequence variant interpretation guidelines (Richards et al. 2015 PMID: 25741868, with internal and published modifications).

ITMI
No classification provided. Condition: AllHighlyPenetrant. Last evaluated: 2013-09-19. Review status: no classification provided. Collection method: reference population. Allele origin: germline. Not counted in ClinVar's aggregate classification.
Comment: Please see associated publication for description of ethnicities

Literature cited by the submitters: PubMed 24728327 (cited by ITMI).